The following is an entry in ClinVar:

NM_005271.5(GLUD1):c.964C>A (p.Arg322Ser)

Gene: GLUD1 (glutamate dehydrogenase 1; minus strand). Cytogenetic location: 10q23.2.
Variant type: single nucleotide variant.
Coding change: c.964C>A on transcript NM_005271.5 (MANE Select); coding-DNA position 964, C replaced by A.
Protein change: p.Arg322Ser; replaces arginine 322 with serine.
Molecular consequence: missense variant.
Genome position (GRCh38, 1-based): chr10:87,061,010, G>T on the plus strand (C>A on the coding strand, the complement: GLUD1 is on the minus strand). VCF-style: chr10-87061010-G-T. GRCh37 (hg19) VCF-style: chr10-88820767-G-T.
Other names: c.565C>A, p.Arg189Ser (NM_001318900.1); c.463C>A, p.Arg155Ser (NM_001318901.1, NM_001318902.1, NM_001318904.2 and 2 more transcripts); short protein forms R155S, R189S, R322S.
Identifiers: ClinVar variation 4740836 (VCV004740836.1).

ClinVar aggregate classification (germline): Uncertain significance (1 of 4 stars; one submission).

Conditions:
Hyperinsulinism-hyperammonemia syndrome (HHF6). Identifiers: Orphanet 35878, MedGen C1847555, MONDO:0011717, OMIM 606762.

Submission:

Labcorp Genetics (formerly Invitae), Labcorp
Classification: Uncertain significance for Hyperinsulinism-hyperammonemia syndrome. Last evaluated: 2025-12-01. Review status: criteria provided, single submitter. Criteria: Invitae Variant Classification Sherloc (09022015). Collection method: clinical testing. Allele origin: germline.
Comment: This sequence change replaces arginine, which is basic and polar, with serine, which is neutral and polar, at codon 322 of the GLUD1 protein (p.Arg322Ser). This variant is not present in population databases (gnomAD no frequency). This variant has not been reported in the literature in individuals affected with GLUD1-related conditions. Invitae Evidence Modeling of protein sequence and biophysical properties (such as structural, functional, and spatial information, amino acid conservation, physicochemical variation, residue mobility, and thermodynamic stability) indicates that this missense variant is not expected to disrupt GLUD1 protein function with a negative predictive value of 80%. Algorithms developed to predict the effect of sequence changes on RNA splicing suggest that this variant may disrupt the consensus splice site. This variant disrupts the p.Arg322 amino acid residue in GLUD1. Other variant(s) that disrupt this residue have been determined to be pathogenic (PMID: 11214910, 27188453, 30306091). This suggests that this residue is clinically significant, and that variants that disrupt this residue are likely to be disease-causing. In summary, the available evidence is currently insufficient to determine the role of this variant in disease. Therefore, it has been classified as a Variant of Uncertain Significance.

Literature cited by the submitters: PubMed 11214910; PubMed 27188453; PubMed 30306091.